The following is an entry in ClinVar:

ClinVar aggregate classification (germline): Uncertain significance. Review status: criteria provided, multiple submitters, no conflicts (2 of 4 stars). 2 submissions from 2 submitters: Uncertain significance (2). Last evaluated 2025-03-01.

Allele frequency attached by ClinVar (database versions not stated): gnomAD exomes below 0.00001.
gnomAD v4.1: 1 of 1,211,432 alleles (0.000083%); highest among the groups gnomAD compares: Admixed American, 0.0022%; no homozygotes.

Submissions (2):

CeGaT Center for Human Genetics Tuebingen
Classification: Uncertain significance. Last evaluated: 2025-03-01. Review status: criteria provided, single submitter. Criteria: CeGaT Center For Human Genetics Tuebingen Variant Classification Criteria Version 2. Collection method: clinical testing. Allele origin: germline. Affected: yes. Observed: 1 variant allele.
Comment: HUWE1: PM2, PP2

Labcorp Genetics (formerly Invitae), Labcorp
Classification: Uncertain significance. Last evaluated: 2022-08-20. Review status: criteria provided, single submitter. Criteria: Invitae Variant Classification Sherloc (09022015). Collection method: clinical testing. Allele origin: germline.
Comment: This variant has not been reported in the literature in individuals affected with HUWE1-related conditions. This sequence change replaces glutamic acid, which is acidic and polar, with aspartic acid, which is acidic and polar, at codon 856 of the HUWE1 protein (p.Glu856Asp). This variant is not present in population databases (gnomAD no frequency). Advanced modeling of protein sequence and biophysical properties (such as structural, functional, and spatial information, amino acid conservation, physicochemical variation, residue mobility, and thermodynamic stability) performed at Invitae indicates that this missense variant is not expected to disrupt HUWE1 protein function. In summary, the available evidence is currently insufficient to determine the role of this variant in disease. Therefore, it has been classified as a Variant of Uncertain Significance.

NM_031407.7(HUWE1):c.2568G>T (p.Glu856Asp)

Gene: HUWE1 (HECT, UBA and WWE domain containing E3 ubiquitin protein ligase 1; minus strand). Cytogenetic location: Xp11.22.
Variant type: single nucleotide variant.
Coding change: c.2568G>T on transcript NM_031407.7 (MANE Select); coding-DNA position 2568, G replaced by T.
Protein change: p.Glu856Asp; replaces glutamic acid 856 with aspartic acid.
Molecular consequence: missense variant.
Genome position (GRCh38, 1-based): chrX:53,604,763, C>A on the plus strand (G>T on the coding strand, the complement: HUWE1 is on the minus strand). VCF-style: chrX-53604763-C-A. GRCh37 (hg19) VCF-style: chrX-53631724-C-A.
Other names: short protein forms E856D.
Identifiers: ClinVar variation 1922977 (VCV001922977.12), dbSNP rs2526915016, ClinGen allele CA413181463.